The following is an entry in ClinVar:

ClinVar aggregate classification (germline): Uncertain significance (1 of 4 stars; one submission).

Conditions:
Focal segmental glomerulosclerosis 5 (FSGS5). Identifiers: Orphanet 656, MedGen C2750475, MONDO:0013191, OMIM 613237.

Submission:

Victorian Clinical Genetics Services, Murdoch Childrens Research Institute
Classification: Uncertain significance for Focal segmental glomerulosclerosis 5. Last evaluated: 2024-10-10. Review status: criteria provided, single submitter. Criteria: ACMG Guidelines, 2015. Collection method: clinical testing. Allele origin: germline. Inheritance: Autosomal dominant inheritance. Affected: yes.
Comment: Based on the classification scheme VCGS_Germline_v1.3.5, this variant is classified as VUS-3C. Following criteria are met: 0105 - The mechanism of disease for this gene is not clearly established. However, both loss of function and gain of function have been suggested (PMID: 32451589). (I) 0107 - This gene is associated with autosomal dominant disease. (I) 0112 - The condition associated with this gene has incomplete penetrance (PMID: 32451589). (I) 0115 - Variants in this gene are known to have variable expressivity, with interfamilial and intrafamilial phenotypic variabilities described (PMID: 32451589). (I) 0200 - Variant is predicted to result in a missense amino acid change from valine to glycine. (I) 0219 - This variant is non-coding in an alternative transcript. Two ENSTs are more expressed than MANE however it is not known if they are coding (GTEx, UCSC). Additionally, there have been no previous reports of pathogenic variants in this exon (ClinVar). (I) 0251 - This variant is heterozygous. (I) 0301 - Variant is absent from gnomAD (v2, v3 and v4). (SP) 0309 - Multiple alternative amino acid changes at the same position have been observed in gnomAD (v4) (highest allele count: 8 heterozygotes, 0 homozygotes). (I) 0502 - Missense variant with conflicting in silico predictions and uninformative conservation. (I) 0604 - Variant is not located in an established domain, motif, hotspot or informative constraint region. (I) 0710 - Other missense variants comparable to the one identified in this case have inconclusive previous evidence for pathogenicity. p.(Val1233Asp) and p.(Val1233Ala) each have a single VUS report in ClinVar. (I) 0807 - This variant has no previous evidence of pathogenicity. (I) 0905 - No published segregation evidence has been identified for this variant. (I) 1007 - No published functional evidence has been identified for this variant. (I) 1208 - Inheritance information for this variant is not currently available in this individual. (I) Legend: (SP) - Supporting pathogenic, (I) - Information, (SB) - Supporting benign

Literature cited by the submitters: PubMed 32451589.

NM_022489.4(INF2):c.3698T>G (p.Val1233Gly)

Gene: INF2 (inverted formin 2; plus strand). Cytogenetic location: 14q32.33.
Variant type: single nucleotide variant.
Coding change: c.3698T>G on transcript NM_022489.4 (MANE Select); coding-DNA position 3698, T replaced by G.
Protein change: p.Val1233Gly; replaces valine 1233 with glycine.
Molecular consequence: missense variant. On other transcripts: non-coding transcript variant (1), intron variant (3).
Genome position (GRCh38, 1-based): chr14:104,715,287, T>G. VCF-style: chr14-104715287-T-G. GRCh37 (hg19) VCF-style: chr14-105181624-T-G.
Other names: c.3698T>G, p.Val1233Gly (NM_001426863.1, NM_001426864.1); c.3694+431T>G (NM_001426865.1, NM_001426862.1, NM_001031714.4); short protein forms V1233G.
Identifiers: ClinVar variation 3376692 (VCV003376692.1).
Genomic context (GRCh38, chr14:104,715,287, plus strand): 5'-GTCAGGGTTGCTTCTGTGTGATAAGCCGTTGAGTGCGTTTCTTTTATTTGGAAGCAGAGG[T>G]TCCCCCTGATTCTGATGATAATAAAACAAAGAAACTGTGTGTGATCCAGTAAGGTATGTA-3'
Protein context (NP_071934.3, residues 1223-1243): KKRPSRSQEE[Val1233Gly]PPDSDDNKTK